The following is an entry in ClinVar:

NM_000059.4(BRCA2):c.5699C>G (p.Ser1900Ter)

Gene: BRCA2 (BRCA2 DNA repair associated; plus strand). Cytogenetic location: 13q13.1.
Variant type: single nucleotide variant.
Coding change: c.5699C>G on transcript NM_000059.4 (MANE Select); coding-DNA position 5699, C replaced by G.
Protein change: p.Ser1900Ter; replaces serine 1900 with a stop codon.
Molecular consequence: nonsense.
Genome position (GRCh38, 1-based): chr13:32,340,054, C>G. VCF-style: chr13-32340054-C-G. GRCh37 (hg19) VCF-style: chr13-32914191-C-G.
Other names: short protein forms S1900*.
Identifiers: ClinVar variation 234187 (VCV000234187.15), dbSNP rs397507797, ClinGen allele CA10579664.

ClinVar aggregate classification (germline): Pathogenic. Review status: reviewed by expert panel (3 of 4 stars). 4 submissions from 4 submitters: Pathogenic (1). 3 of the submissions do not count toward it. Last evaluated 2017-12-15.

Conditions:
Hereditary cancer-predisposing syndrome. Also called: Tumor predisposition; Hereditary neoplastic syndrome; Hereditary Cancer Syndrome; Neoplastic Syndromes, Hereditary. Identifiers: Orphanet 140162, MedGen C0027672, MeSH D009386, MONDO:0015356.
Breast-ovarian cancer, familial, susceptibility to, 2 (BROVCA2). Also called: BRCA2 Hereditary Breast and Ovarian Cancer. Identifiers: Orphanet 145, MedGen C2675520, MONDO:0012933, OMIM 612555. Disease mechanism: loss of function.
Familial cancer of breast. Also called: BREAST CANCER, FAMILIAL; hereditary breast carcinoma; Hereditary breast cancer. Identifiers: Orphanet 227535, MedGen C0346153, MONDO:0016419, OMIM 114480. Disease mechanism: loss of function.
Hereditary breast ovarian cancer syndrome. Also called: Hereditary breast and ovarian cancer; Breast and ovarian cancer; BRCA1- and BRCA2-Associated Hereditary Breast and Ovarian Cancer; Hereditary breast and/or ovarian cancer syndrome; Hereditary breast and ovarian cancer syndrome; Hereditary breast and ovarian cancer syndrome (HBOC). Identifiers: Orphanet 145, MedGen C0677776, MeSH D061325, MONDO:0003582. Disease mechanism: loss of function.

Submissions (4):

Evidence-based Network for the Interpretation of Germline Mutant Alleles (ENIGMA)
Classification: Pathogenic for Breast-ovarian cancer, familial, susceptibility to, 2. Last evaluated: 2017-12-15. Review status: reviewed by expert panel. Criteria: ENIGMA BRCA1/2 Classification Criteria (2017-06-29). Collection method: curation. Allele origin: germline. Study: ENIGMA.
Comment: Variant allele predicted to encode a truncated non-functional protein.

Ambry Genetics
Classification: Pathogenic for Hereditary cancer-predisposing syndrome. Last evaluated: 2026-01-13. Review status: criteria provided, single submitter. Criteria: Ambry Variant Classification Scheme 2023. Collection method: clinical testing. Allele origin: germline. Not counted in ClinVar's aggregate classification.
Comment: The p.S1900* pathogenic mutation (also known as c.5699C>G), located in coding exon 10 of the BRCA2 gene, results from a C to G substitution at nucleotide position 5699. This changes the amino acid from a serine to a stop codon within coding exon 10. This variant is considered to be rare based on population cohorts in the Genome Aggregation Database (gnomAD). This alteration is expected to result in loss of function by premature protein truncation or nonsense-mediated mRNA decay. As such, this alteration is interpreted as a disease-causing mutation.

Labcorp Genetics (formerly Invitae), Labcorp
Classification: Pathogenic for Hereditary breast ovarian cancer syndrome. Last evaluated: 2022-10-23. Review status: criteria provided, single submitter. Criteria: Invitae Variant Classification Sherloc (09022015). Collection method: clinical testing. Allele origin: germline. Not counted in ClinVar's aggregate classification.
Comment: This sequence change creates a premature translational stop signal (p.Ser1900*) in the BRCA2 gene. It is expected to result in an absent or disrupted protein product. Loss-of-function variants in BRCA2 are known to be pathogenic (PMID: 20104584). This variant is not present in population databases (gnomAD no frequency). This premature translational stop signal has been observed in individual(s) with personal and/or family history of breast and/or ovarian cancer (PMID: 25927356, 28111427, 28176296, 30078507). ClinVar contains an entry for this variant (Variation ID: 234187). For these reasons, this variant has been classified as Pathogenic.

Baylor Genetics
Classification: Pathogenic for Familial cancer of breast. Last evaluated: 2022-09-24. Review status: criteria provided, single submitter. Criteria: ACMG Guidelines, 2015. Collection method: clinical testing. Allele origin: unknown. Not counted in ClinVar's aggregate classification.

Literature cited by the submitters: PubMed 20104584 (cited by Labcorp Genetics (formerly Invitae), Labcorp); PubMed 25927356 (cited by Labcorp Genetics (formerly Invitae), Labcorp); PubMed 28111427 (cited by Labcorp Genetics (formerly Invitae), Labcorp); PubMed 28176296 (cited by Labcorp Genetics (formerly Invitae), Labcorp); PubMed 30078507 (cited by Labcorp Genetics (formerly Invitae), Labcorp).